The following is an entry in ClinVar:

NM_032608.7(MYO18B):c.5173A>G (p.Ile1725Val)

Gene: MYO18B (myosin XVIIIB; plus strand). Cytogenetic location: 22q12.1.
Variant type: single nucleotide variant.
Coding change: c.5173A>G on transcript NM_032608.7 (MANE Select); coding-DNA position 5173, A replaced by G.
Protein change: p.Ile1725Val; replaces isoleucine 1725 with valine.
Molecular consequence: missense variant.
Genome position (GRCh38, 1-based): chr22:25,908,346, A>G. VCF-style: chr22-25908346-A-G. GRCh37 (hg19) VCF-style: chr22-26304313-A-G.
Other names: c.5176A>G, p.Ile1726Val (NM_001318245.2); short protein forms I1726V, I1725V.
Identifiers: ClinVar variation 2011211 (VCV002011211.4), dbSNP rs758029769, ClinGen allele CA10161089.

ClinVar aggregate classification (germline): Uncertain significance (1 of 4 stars; one submission).

Allele frequency attached by ClinVar (database versions not stated): gnomAD exomes below 0.00001.
gnomAD v4.1: 1 of 1,595,052 alleles (0.000063%); highest among the groups gnomAD compares: Non-Finnish European, 0.000085%; no homozygotes.

Submission:

Labcorp Genetics (formerly Invitae), Labcorp
Classification: Uncertain significance. Last evaluated: 2024-02-17. Review status: criteria provided, single submitter. Criteria: Invitae Variant Classification Sherloc (09022015). Collection method: clinical testing. Allele origin: germline.
Comment: This sequence change replaces isoleucine, which is neutral and non-polar, with valine, which is neutral and non-polar, at codon 1725 of the MYO18B protein (p.Ile1725Val). The frequency data for this variant in the population databases is considered unreliable, as metrics indicate poor data quality at this position in the gnomAD database. This variant has not been reported in the literature in individuals affected with MYO18B-related conditions. ClinVar contains an entry for this variant (Variation ID: 2011211). An algorithm developed to predict the effect of missense changes on protein structure and function (PolyPhen-2) suggests that this variant is likely to be tolerated. In summary, the available evidence is currently insufficient to determine the role of this variant in disease. Therefore, it has been classified as a Variant of Uncertain Significance.